The following is an entry in ClinVar:

NM_023110.3(FGFR1):c.2057T>C (p.Phe686Ser)

Gene: FGFR1 (fibroblast growth factor receptor 1; minus strand). Cytogenetic location: 8p11.23.
Variant type: single nucleotide variant.
Coding change: c.2057T>C on transcript NM_023110.3 (MANE Select); coding-DNA position 2057, T replaced by C.
Protein change: p.Phe686Ser; replaces phenylalanine 686 with serine.
Molecular consequence: missense variant.
Genome position (GRCh38, 1-based): chr8:38,414,281, A>G on the plus strand (T>C on the coding strand, the complement: FGFR1 is on the minus strand). VCF-style: chr8-38414281-A-G. GRCh37 (hg19) VCF-style: chr8-38271799-A-G.
Other names: c.2057T>C, p.Phe686Ser (NM_000604.2); c.2051T>C, p.Phe684Ser (NM_001174063.2, NM_001174065.2, NM_001354367.2 and 1 more transcripts); c.2027T>C, p.Phe676Ser (NM_001174064.2); c.1790T>C, p.Phe597Ser (NM_001174066.2, NM_023105.3); c.2150T>C, p.Phe717Ser (NM_001174067.2); c.1778T>C, p.Phe593Ser (NM_001354368.2); c.2045T>C, p.Phe682Ser (NM_001354369.2, NM_001410922.1); c.1784T>C, p.Phe595Ser (NM_001354370.2, NM_023106.3); short protein forms F593S, F595S, F597S, F676S, F682S, F684S, F686S, F717S.
Identifiers: ClinVar variation 2505448 (VCV002505448.2), dbSNP rs2150537283, ClinGen allele CA370729133.

ClinVar aggregate classification (germline): Conflicting classifications of pathogenicity. Review status: criteria provided, conflicting classifications (1 of 4 stars). 2 submissions from 2 submitters: Likely pathogenic (1); Uncertain significance (1). Last evaluated 2023-05-04.

Conditions:
Hypogonadotropic hypogonadism 2 with or without anosmia (HH2). Also called: FGFR1-Related GnRH Deficiency (Kallmann Syndrome 2); HYPOGONADOTROPIC HYPOGONADISM 2 WITHOUT ANOSMIA; HYPOGONADOTROPIC HYPOGONADISM 2 WITH OR WITHOUT ANOSMIA, SUSCEPTIBILITY TO; HYPOGONADOTROPIC HYPOGONADISM 2 WITHOUT ANOSMIA, SUSCEPTIBILITY TO. Identifiers: Orphanet 478, MedGen C1563720, MONDO:0007844, OMIM 147950. Disease mechanism: loss of function.

Submissions (2):

Reproductive Endocrine Unit, Massachusetts General Hospital
Classification: Likely pathogenic for Hypogonadotropic hypogonadism 2 with or without anosmia. Last evaluated: 2023-05-04. Review status: criteria provided, single submitter. Criteria: ACMG Guidelines, 2015. Collection method: research. Allele origin: inherited, unknown. Affected: yes. Observed: 4 variant alleles.

GeneDx
Classification: Uncertain significance. Last evaluated: 2023-01-07. Review status: criteria provided, single submitter. Criteria: GeneDx Variant Classification Process June 2021. Collection method: clinical testing. Allele origin: germline. Affected: yes.
Comment: Not observed at significant frequency in large population cohorts (gnomAD); In silico analysis supports that this missense variant has a deleterious effect on protein structure/function; This variant is associated with the following publications: (PMID: 29161432)